The following is an entry in ClinVar:

ClinVar aggregate classification (germline): Uncertain significance (1 of 4 stars; one submission).

Submission:

Labcorp Genetics (formerly Invitae), Labcorp
Classification: Uncertain significance. Last evaluated: 2021-02-12. Review status: criteria provided, single submitter. Criteria: Invitae Variant Classification Sherloc (09022015). Collection method: clinical testing. Allele origin: germline.
Comment: In summary, the available evidence is currently insufficient to determine the role of this variant in disease. Therefore, it has been classified as a Variant of Uncertain Significance. Algorithms developed to predict the effect of missense changes on protein structure and function are either unavailable or do not agree on the potential impact of this missense change (SIFT: "Not Available"; PolyPhen-2: "Probably Damaging"; Align-GVGD: "Not Available"). This variant has not been reported in the literature in individuals with TULP1-related conditions. This variant is not present in population databases (ExAC no frequency). This sequence change replaces methionine with threonine at codon 421 of the TULP1 protein (p.Met421Thr). The methionine residue is highly conserved and there is a moderate physicochemical difference between methionine and threonine.

NM_003322.6(TULP1):c.1262T>C (p.Met421Thr)

Gene: TULP1 (TUB like protein 1; minus strand). Cytogenetic location: 6p21.31.
Variant type: single nucleotide variant.
Coding change: c.1262T>C on transcript NM_003322.6 (MANE Select); coding-DNA position 1262, T replaced by C.
Protein change: p.Met421Thr; replaces methionine 421 with threonine.
Molecular consequence: missense variant.
Genome position (GRCh38, 1-based): chr6:35,503,620, A>G on the plus strand (T>C on the coding strand, the complement: TULP1 is on the minus strand). VCF-style: chr6-35503620-A-G. GRCh37 (hg19) VCF-style: chr6-35471397-A-G.
Other names: c.1103T>C, p.Met368Thr (NM_001289395.2); short protein forms M368T, M421T.
Identifiers: ClinVar variation 1469537 (VCV001469537.6), dbSNP rs1353889575, ClinGen allele CA363779157.
Genomic context (GRCh38, chr6:35,503,620, plus strand): 5'-TTTCGGGGCCGGATGGGGACCCTCTCGTTCTCCGCACTCATGCCAGGAATGATGACGGTC[A>G]TGCGCCGGGGGCCACGGAAGCCCAGCACGTTGGTTTCCTGGGAAGGAAACAGATGCCTGT-3'
Protein context (NP_003313.3, residues 411-431): NVLGFRGPRR[Met421Thr]TVIIPGMSAE